The following is an entry in ClinVar:

ClinVar aggregate classification (germline): Uncertain significance (1 of 4 stars; one submission).

Conditions:
Glycogen storage disease due to muscle and heart glycogen synthase deficiency. Also called: GSD 0b; MUSCLE GLYCOGEN SYNTHASE DEFICIENCY. Identifiers: Orphanet 137625, MedGen C1969054, MONDO:0012693, OMIM 611556.

Submission:

Labcorp Genetics (formerly Invitae), Labcorp
Classification: Uncertain significance for Glycogen storage disease due to muscle and heart glycogen synthase deficiency. Last evaluated: 2022-06-20. Review status: criteria provided, single submitter. Criteria: Invitae Variant Classification Sherloc (09022015). Collection method: clinical testing. Allele origin: germline.
Comment: This variant has not been reported in the literature in individuals affected with GYS1-related conditions. In summary, the available evidence is currently insufficient to determine the role of this variant in disease. Therefore, it has been classified as a Variant of Uncertain Significance. Algorithms developed to predict the effect of missense changes on protein structure and function are either unavailable or do not agree on the potential impact of this missense change (SIFT: "Deleterious"; PolyPhen-2: "Possibly Damaging"; Align-GVGD: "Class C0"). This variant is not present in population databases (gnomAD no frequency). This sequence change replaces arginine, which is basic and polar, with proline, which is neutral and non-polar, at codon 331 of the GYS1 protein (p.Arg331Pro).

NM_002103.5(GYS1):c.992G>C (p.Arg331Pro)

Gene: GYS1 (glycogen synthase 1; minus strand). Cytogenetic location: 19q13.33.
Variant type: single nucleotide variant.
Coding change: c.992G>C on transcript NM_002103.5 (MANE Select); coding-DNA position 992, G replaced by C.
Protein change: p.Arg331Pro; replaces arginine 331 with proline.
Molecular consequence: missense variant. On other transcripts: non-coding transcript variant (1).
Genome position (GRCh38, 1-based): chr19:48,982,325, C>G on the plus strand (G>C on the coding strand, the complement: GYS1 is on the minus strand). VCF-style: chr19-48982325-C-G. GRCh37 (hg19) VCF-style: chr19-49485582-C-G.
Other names: c.800G>C, p.Arg267Pro (NM_001161587.2); short protein forms R267P, R331P.
Identifiers: ClinVar variation 1508723 (VCV001508723.5), dbSNP rs1280294667, ClinGen allele CA406763397.